The following is an entry in ClinVar:

NM_001903.5(CTNNA1):c.1876A>G (p.Arg626Gly)

Gene: CTNNA1 (catenin alpha 1; plus strand). Cytogenetic location: 5q31.2.
Variant type: single nucleotide variant.
Coding change: c.1876A>G on transcript NM_001903.5 (MANE Select); coding-DNA position 1876, A replaced by G.
Protein change: p.Arg626Gly; replaces arginine 626 with glycine.
Molecular consequence: missense variant.
Genome position (GRCh38, 1-based): chr5:138,925,384, A>G. VCF-style: chr5-138925384-A-G. GRCh37 (hg19) VCF-style: chr5-138261073-A-G.
Other names: c.1876A>G, p.Arg626Gly (NM_001290307.3, NM_001323982.2, NM_001323983.1 and 2 more transcripts); c.1567A>G, p.Arg523Gly (NM_001290309.3); c.1507A>G, p.Arg503Gly (NM_001290310.3); c.766A>G, p.Arg256Gly (NM_001290312.1, NM_001323987.1, NM_001323988.1 and 17 more transcripts); c.1783A>G, p.Arg595Gly (NM_001323986.2); c.427A>G, p.Arg143Gly (NM_001324009.1, NM_001324010.1, NM_001324006.1 and 2 more transcripts); c.673A>G, p.Arg225Gly (NM_001324011.1); c.523A>G, p.Arg175Gly (NM_001324012.1, NM_001324013.1); short protein forms R143G, R225G, R256G, R523G, R175G, R595G, R626G, R503G.
Identifiers: ClinVar variation 2850847 (VCV002850847.3), dbSNP rs1763797844, ClinGen allele CA361132398.

ClinVar aggregate classification (germline): Uncertain significance (1 of 4 stars; one submission).

Submission:

Labcorp Genetics (formerly Invitae), Labcorp
Classification: Uncertain significance. Last evaluated: 2023-03-30. Review status: criteria provided, single submitter. Criteria: Invitae Variant Classification Sherloc (09022015). Collection method: clinical testing. Allele origin: germline.
Comment: This variant is not present in population databases (gnomAD no frequency). In summary, the available evidence is currently insufficient to determine the role of this variant in disease. Therefore, it has been classified as a Variant of Uncertain Significance. Advanced modeling of protein sequence and biophysical properties (such as structural, functional, and spatial information, amino acid conservation, physicochemical variation, residue mobility, and thermodynamic stability) performed at Invitae indicates that this missense variant is expected to disrupt CTNNA1 protein function. This variant has not been reported in the literature in individuals affected with CTNNA1-related conditions. This sequence change replaces arginine, which is basic and polar, with glycine, which is neutral and non-polar, at codon 626 of the CTNNA1 protein (p.Arg626Gly).